The following is an entry in ClinVar:

ClinVar aggregate classification (germline): Benign/Likely benign. Review status: criteria provided, multiple submitters, no conflicts (2 of 4 stars). 2 submissions from 2 submitters: Benign (1); Likely benign (1). Last evaluated 2025-06-10.

Conditions:
Charcot-Marie-Tooth disease axonal type 2C (HMSN2C). Also called: Charcot-Marie-Tooth Disease Type 2, TRPV4-Related (CMT2C); CHARCOT-MARIE-TOOTH DISEASE, AXONAL, AUTOSOMAL DOMINANT, TYPE 2C; Charcot-Marie-Tooth Neuropathy Type 2C. Identifiers: Orphanet 99937, MedGen C1853710, MONDO:0011633, OMIM 606071.

Allele frequency attached by ClinVar (database versions not stated): gnomAD exomes 0.00005 and 0.00003; ExAC 0.00007.
gnomAD v4.1: 43 of 1,611,054 alleles (0.0027%); highest among the groups gnomAD compares: South Asian, 0.038%; 1 homozygote.

Submissions (2):

Athena Diagnostics
Classification: Benign. Last evaluated: 2025-06-10. Review status: criteria provided, single submitter. Criteria: Athena Diagnostics Criteria. Collection method: clinical testing. Allele origin: unknown.
Comment: The frequency of this variant in the general population is higher than would generally be expected for pathogenic variants in this gene. Computational tools yielded predictions that this variant is unlikely to have an effect on normal RNA splicing. This nucleotide position exhibits low evolutionary conservation.

Labcorp Genetics (formerly Invitae), Labcorp
Classification: Likely benign for Charcot-Marie-Tooth disease axonal type 2C. Last evaluated: 2024-01-16. Review status: criteria provided, single submitter. Criteria: Invitae Variant Classification Sherloc (09022015). Collection method: clinical testing. Allele origin: germline.

NM_021625.5(TRPV4):c.2459-4G>A

Gene: TRPV4 (transient receptor potential cation channel subfamily V member 4; minus strand). Cytogenetic location: 12q24.11.
Variant type: single nucleotide variant.
Coding change: c.2459-4G>A on transcript NM_021625.5 (MANE Select); 4 bases into the intron before coding-DNA position 2459, G replaced by A.
Molecular consequence: intron variant.
Genome position (GRCh38, 1-based): chr12:109,783,782, C>T on the plus strand (G>A on the coding strand, the complement: TRPV4 is on the minus strand). VCF-style: chr12-109783782-C-T. GRCh37 (hg19) VCF-style: chr12-110221587-C-T.
Other names: c.2138-4G>A (NM_001177433.1); c.2318-4G>A (NM_001177428.1); c.2279-4G>A (NM_147204.2); c.2357-4G>A (NM_001177431.1).
Identifiers: ClinVar variation 1116494 (VCV001116494.9), dbSNP rs762182385, ClinGen allele CA6779883.